The following is an entry in ClinVar:

ClinVar aggregate classification (germline): Uncertain significance (1 of 4 stars; one submission).

Submission:

Labcorp Genetics (formerly Invitae), Labcorp
Classification: Uncertain significance. Last evaluated: 2024-07-01. Review status: criteria provided, single submitter. Criteria: Invitae Variant Classification Sherloc (09022015). Collection method: clinical testing. Allele origin: germline.
Comment: This sequence change creates a premature translational stop signal (p.Ile299Hisfs*14) in the MDH2 gene. While this is not anticipated to result in nonsense mediated decay, it is expected to disrupt the last 40 amino acid(s) of the MDH2 protein. This variant is not present in population databases (gnomAD no frequency). This variant has not been reported in the literature in individuals affected with MDH2-related conditions. Algorithms developed to predict the effect of sequence changes on RNA splicing suggest that this variant may disrupt the consensus splice site. In summary, the available evidence is currently insufficient to determine the role of this variant in disease. Therefore, it has been classified as a Variant of Uncertain Significance.

NM_005918.4(MDH2):c.890dup (p.Ile299fs)

Gene: MDH2 (malate dehydrogenase 2; plus strand). Cytogenetic location: 7q11.23.
Variant type: Duplication.
Coding change: c.890dup on transcript NM_005918.4 (MANE Select); coding-DNA position 890, one base duplicated (A; older notation c.890dupA).
Protein change: p.Ile299fs; shifts the reading frame from isoleucine 299.
Molecular consequence: frameshift variant.
Genome position (GRCh38, 1-based): chr7:76,066,283, A duplicated; the last of 5 consecutive A bases (chr7:76,066,279-76,066,283); duplicating any one gives the same sequence. VCF-style (leftmost placement, unchanged base first): chr7-76066278-G-GA. GRCh37 (hg19) VCF-style: chr7-75695596-G-GA.
Other names: c.764dup, p.Ile257fs (NM_001282403.2); c.569dup, p.Ile192fs (NM_001282404.2); short protein forms I192fs, I299fs, I257fs.
Identifiers: ClinVar variation 3646637 (VCV003646637.2).
Genomic context (GRCh38, chr7:76,066,278, plus strand): 5'-GGGTTTCTCTAACAAGCACTTTCCTGGAAACTTCATTTTAACATGTTCCCATCTCCCTCA[G>GA]AAAAAGGGCATCGAGAAGAACCTGGGCATCGGCAAAGTCTCCTCTTTTGAGGAGAAGATG-3'